The following is an entry in ClinVar:

ClinVar aggregate classification (germline): Uncertain significance. Review status: criteria provided, multiple submitters, no conflicts (2 of 4 stars). 2 submissions from 2 submitters: Uncertain significance (2). Last evaluated 2025-07-30.

Allele frequency attached by ClinVar (database versions not stated): ExAC 0.00004; gnomAD exomes 0.00005.
gnomAD v4.1: 17 of 1,614,046 alleles (0.0011%); highest among the groups gnomAD compares: Admixed American, 0.028%; no homozygotes.

Submissions (2):

Labcorp Genetics (formerly Invitae), Labcorp
Classification: Uncertain significance. Last evaluated: 2025-07-30. Review status: criteria provided, single submitter. Criteria: Invitae Variant Classification Sherloc (09022015). Collection method: clinical testing. Allele origin: germline.
Comment: This sequence change replaces valine, which is neutral and non-polar, with leucine, which is neutral and non-polar, at codon 9 of the TUBA8 protein (p.Val9Leu). This variant is present in population databases (rs754337553, gnomAD 0.04%). This variant has not been reported in the literature in individuals affected with TUBA8-related conditions. ClinVar contains an entry for this variant (Variation ID: 1362188). Invitae Evidence Modeling of protein sequence and biophysical properties (such as structural, functional, and spatial information, amino acid conservation, physicochemical variation, residue mobility, and thermodynamic stability) indicates that this missense variant is not expected to disrupt TUBA8 protein function with a negative predictive value of 80%. In summary, the available evidence is currently insufficient to determine the role of this variant in disease. Therefore, it has been classified as a Variant of Uncertain Significance.

Ambry Genetics
Classification: Uncertain significance. Last evaluated: 2025-06-22. Review status: criteria provided, single submitter. Criteria: Ambry Variant Classification Scheme 2023. Collection method: clinical testing. Allele origin: germline.

NM_018943.3(TUBA8):c.25G>C (p.Val9Leu)

Gene: TUBA8 (tubulin alpha 8; plus strand). Cytogenetic location: 22q11.21.
Variant type: single nucleotide variant.
Coding change: c.25G>C on transcript NM_018943.3 (MANE Select); coding-DNA position 25, G replaced by C.
Protein change: p.Val9Leu; replaces valine 9 with leucine.
Molecular consequence: missense variant. On other transcripts: 5 prime UTR variant (1).
Genome position (GRCh38, 1-based): chr22:18,121,500, G>C. VCF-style: chr22-18121500-G-C. GRCh37 (hg19) VCF-style: chr22-18604267-G-C.
Other names: c.25G>C (NM_018943.2); c.-174G>C (NM_001193414.2); short protein forms V9L.
Identifiers: ClinVar variation 1362188 (VCV001362188.7), dbSNP rs754337553, ClinGen allele CA10093568.
Genomic context (GRCh38, chr22:18,121,500, plus strand): 5'-CCCAGACTCTCTGACCTCGTTGCTTCCCTCTCCCCACAGCGGGAATGCATATCAGTCCAC[G>C]TGGGCCAAGCGGGAGTTCAGATTGGCAATGCCTGCTGGGAGCTCTTCTGCCTGGAACACG-3'
Protein context (NP_061816.1, residues 1-19): MRECISVH[Val9Leu]GQAGVQIGNA